The following is an entry in ClinVar:

ClinVar aggregate classification (germline): Uncertain significance (1 of 4 stars; one submission).

Submission:

Labcorp Genetics (formerly Invitae), Labcorp
Classification: Uncertain significance. Last evaluated: 2022-07-04. Review status: criteria provided, single submitter. Criteria: Invitae Variant Classification Sherloc (09022015). Collection method: clinical testing. Allele origin: germline.
Comment: This variant is not present in population databases (gnomAD no frequency). In summary, the available evidence is currently insufficient to determine the role of this variant in disease. Therefore, it has been classified as a Variant of Uncertain Significance. Algorithms developed to predict the effect of missense changes on protein structure and function (SIFT, PolyPhen-2, Align-GVGD) all suggest that this variant is likely to be tolerated. This variant has not been reported in the literature in individuals affected with TYRP1-related conditions. This sequence change replaces threonine, which is neutral and polar, with isoleucine, which is neutral and non-polar, at codon 463 of the TYRP1 protein (p.Thr463Ile).

NM_000550.3(TYRP1):c.1388C>T (p.Thr463Ile)

Genes: LURAP1L-AS1 (LURAP1L antisense RNA 1; minus strand), TYRP1 (tyrosinase related protein 1; plus strand). Cytogenetic location: 9p23.
Variant type: single nucleotide variant.
Coding change: c.1388C>T on transcript NM_000550.3 (MANE Select); coding-DNA position 1388, C replaced by T.
Protein change: p.Thr463Ile; replaces threonine 463 with isoleucine.
Molecular consequence: missense variant.
Genome position (GRCh38, 1-based): chr9:12,708,123, C>T. VCF-style: chr9-12708123-C-T. GRCh37 (hg19) VCF-style: chr9-12708123-C-T.
Other names: short protein forms T463I.
Identifiers: ClinVar variation 2014143 (VCV002014143.4), dbSNP rs370228098, ClinGen allele CA372944039.